The following is an entry in ClinVar:

NM_194248.3(OTOF):c.5209ATC[1] (p.Ile1738del)

Gene: OTOF (otoferlin; minus strand). Cytogenetic location: 2p23.3.
Variant type: Microsatellite.
Coding change: c.5209ATC[1] on transcript NM_194248.3 (MANE Select); one copy of the 3-base unit ATC starting at c.5209; the reference has two copies in a row; one copy, 3 bases deleted; also written c.5212_5214del.
Protein change: p.Ile1738del; deletes isoleucine 1738.
Molecular consequence: inframe deletion.
Genome position (GRCh38, 1-based): chr2:26,462,160-26,462,162, GAT deleted on the plus strand (ATC on the coding strand, the reverse complement: OTOF is on the minus strand); deleting any 3 consecutive bases within chr2:26,462,160-26,462,167 gives the same sequence; the position shown is the placement nearest the transcript's 3' end. VCF-style (leftmost placement, unchanged base first): chr2-26462159-AGAT-A. GRCh37 (hg19) VCF-style: chr2-26685027-AGAT-A.
Other names: c.5212_5214del (NM_194248.3, NM_001287489.2); c.5209ATC[1], p.Ile1738del (NM_001287489.2); c.2908ATC[1], p.Ile971del (NM_004802.4, NM_194323.3); c.3139ATC[1], p.Ile1048del (NM_194322.3); c.5212_5214delATC (NM_001287489.2); short protein forms I1048del, I1738del, I971del.
Identifiers: ClinVar variation 1185622 (VCV001185622.3), dbSNP rs2148021052, ClinGen allele CA2580611255.
Genomic context (GRCh38, chr2:26,462,159, plus strand): 5'-CACTGGACTTCTCCCCTGTGAAGAAGTCGTCGTCCTCCAAGACCACCTCATCTGTGTTCC[AGAT>A]GATGACCCGCAGCTCGTACCTGGGCCCAGGGAGAGAAGGCTGGTTAGCAGCCCCAGGTGG-3'

ClinVar aggregate classification (germline): Likely pathogenic. Review status: criteria provided, single submitter (1 of 4 stars). 3 submissions from 3 submitters: Likely pathogenic (1). 2 of the submissions do not count toward it. Last evaluated 2023-12-22.

Conditions:
Auditory neuropathy. Identifiers: MedGen C1852271, MONDO:0021944.
Autosomal recessive nonsyndromic hearing loss 9. Also called: Deafness, autosomal recessive 9; NEUROSENSORY NONSYNDROMIC RECESSIVE DEAFNESS 9; OTOF-Related Hearing Loss; AUDITORY NEUROPATHY, AUTOSOMAL RECESSIVE, 1, TEMPERATURE-SENSITIVE. Identifiers: Orphanet 90636, MedGen C1832828, MONDO:0010986, OMIM 601071.

Submissions (3):

WangQJ Lab, Chinese People's Liberation Army General Hospital
Classification: Likely pathogenic for Auditory neuropathy. Last evaluated: 2023-12-22. Review status: criteria provided, single submitter. Criteria: Submitter's publication. Collection method: research. Allele origin: germline. Affected: yes. Observed: 1 variant allele.

Diagnosis and Treatment Center of Genetic Hearing Loss, Eye & ENT Hospital of Fudan University
Classification: VUS-high for Autosomal recessive nonsyndromic hearing loss 9. Last evaluated: 2026-02-04. Review status: no assertion criteria provided. Collection method: clinical testing. Allele origin: germline. Inheritance: Autosomal recessive inheritance. Affected: yes. Not counted in ClinVar's aggregate classification.
Comment: The c.5212_5214del in‑frame deletion in OTOF is absent from population databases (PM2_Supporting). It has been found in trans with a likely pathogenic variant (c.3886del) and in one patient in trans with a VUS (c.5570G>A) (PM3; PMID: 35982127). It results in an in‑frame deletion (PM4).

Deafness Molecular Diagnostic Center, Chinese PLA General Hospital
Classification: Pathogenic for Autosomal recessive nonsyndromic hearing loss 9. Review status: no assertion criteria provided. Criteria: ACMG Guidelines, 2015. Collection method: case-control. Allele origin: paternal. Affected: yes. Not counted in ClinVar's aggregate classification.

Literature cited by the submitters: PubMed 35982127 (cited by Diagnosis and Treatment Center of Genetic Hearing Loss, Eye & ENT Hospital of Fudan University).